The following is an entry in ClinVar:

ClinVar aggregate classification (germline): Uncertain significance (1 of 4 stars; one submission).

Allele frequency attached by ClinVar (database versions not stated): gnomAD exomes 0.00002.
gnomAD v4.1: 25 of 1,612,280 alleles (0.0016%); highest among the groups gnomAD compares: Non-Finnish European, 0.0021%; no homozygotes.

Submission:

GeneDx
Classification: Uncertain significance. Last evaluated: 2014-05-23. Review status: criteria provided, single submitter. Criteria: GeneDx Variant Classification (06012015). Collection method: clinical testing. Allele origin: germline. Affected: yes.
Comment: Missense variants in the TTN gene are considered 'unclassified' if they are not previously reported in the literature and do not have >1% frequency in the population to be considered a polymorphism. Research indicates that truncating mutations in the TTN gene are expected to account for approximately 25% of familial and 18% of sporadic idiopathic DCM; however, truncating variants in the TTN gene have been reported in approximately 3% of reported control alleles. There has been little investigation into non-truncating variants. (Herman D et al. Truncations of titin causing dilated cardiomyopathy. N Eng J Med 366:619-628, 2012) The variant is found in CARDIOMYOPATHY panel(s).

NM_001267550.2(TTN):c.1622A>C (p.Glu541Ala)

Gene: TTN (titin; minus strand). Cytogenetic location: 2q31.2.
Variant type: single nucleotide variant.
Coding change: c.1622A>C on transcript NM_001267550.2 (MANE Select); coding-DNA position 1622, A replaced by C.
Protein change: p.Glu541Ala; replaces glutamic acid 541 with alanine.
Molecular consequence: missense variant.
Genome position (GRCh38, 1-based): chr2:178,792,112, T>G on the plus strand (A>C on the coding strand, the complement: TTN is on the minus strand). VCF-style: chr2-178792112-T-G. GRCh37 (hg19) VCF-style: chr2-179656839-T-G.
Other names: p.E541A:GAA>GCA; c.1622A>C, p.Glu541Ala (NM_001256850.1, NM_003319.4, NM_133378.4 and 3 more transcripts); short protein forms E541A.
Identifiers: ClinVar variation 202609 (VCV000202609.2), dbSNP rs794729422, ClinGen allele CA309741.
Genomic context (GRCh38, chr2:178,792,112, plus strand): 5'-ATTTAGAAAATCAGACTTACTGCTTCTTGAGTTACTTGTTTCTGTTTCTTAGTAATTTCT[T>G]CAGAAATTCTAGTTTCTTGTTCTTTGGCTTTAGCTGCGGAAATTACTACCTTTGGTACAA-3'
Protein context (NP_001254479.2, residues 531-551): KAKEQETRIS[Glu541Ala]EITKKQKQVT